The following is an entry in ClinVar:

NM_019098.5(CNGB3):c.1619T>A (p.Leu540Ter)

Gene: CNGB3 (cyclic nucleotide gated channel subunit beta 3; minus strand). Cytogenetic location: 8q21.3.
Variant type: single nucleotide variant.
Coding change: c.1619T>A on transcript NM_019098.5 (MANE Select); coding-DNA position 1619, T replaced by A.
Protein change: p.Leu540Ter; replaces leucine 540 with a stop codon.
Molecular consequence: nonsense.
Genome position (GRCh38, 1-based): chr8:86,611,631, A>T on the plus strand (T>A on the coding strand, the complement: CNGB3 is on the minus strand). VCF-style: chr8-86611631-A-T. GRCh37 (hg19) VCF-style: chr8-87623859-A-T.
Other names: short protein forms L540*.
Identifiers: ClinVar variation 1726177 (VCV001726177.2), dbSNP rs2538064552, ClinGen allele CA371438631.

ClinVar aggregate classification (germline): Likely pathogenic (1 of 4 stars; one submission).

Conditions:
Achromatopsia 3 (ACHM3). Also called: PINGELAPESE BLINDNESS; TOTAL COLORBLINDNESS WITH MYOPIA; ROD MONOCHROMACY 1; ROD MONOCHROMATISM 1; ACHROMATOPSIA WITH MYOPIA. Identifiers: Orphanet 49382, MedGen C1849792, MONDO:0009875, OMIM 262300.

Submission:

Myriad Genetics, Inc.
Classification: Likely pathogenic for Achromatopsia 3. Last evaluated: 2022-05-19. Review status: criteria provided, single submitter. Criteria: Myriad Women's Health Autosomal Recessive and X-Linked Classification Criteria (2021). Collection method: clinical testing. Allele origin: unknown.
Comment: NM_019098.4(CNGB3):c.1619T>A(L540*) is expected to be pathogenic in the context of CNGB3-related achromatopsia. This variant is predicted to lead to an abnormal or absent protein product due to the creation of a premature termination codon in CNGB3, a gene where loss-of-function variants are known to be pathogenic. Please note: this variant was assessed in the context of healthy population screening.